The following is an entry in ClinVar:

NM_030777.4(SLC2A10):c.1609A>G (p.Ile537Val)

Gene: SLC2A10 (solute carrier family 2 member 10; plus strand). Cytogenetic location: 20q13.12.
Variant type: single nucleotide variant.
Coding change: c.1609A>G on transcript NM_030777.4 (MANE Select); coding-DNA position 1609, A replaced by G.
Protein change: p.Ile537Val; replaces isoleucine 537 with valine.
Molecular consequence: missense variant.
Genome position (GRCh38, 1-based): chr20:46,733,817, A>G. VCF-style: chr20-46733817-A-G. GRCh37 (hg19) VCF-style: chr20-45362456-A-G.
Other names: p.I537V:ATC>GTC; short protein forms I537V.
Identifiers: ClinVar variation 139182 (VCV000139182.34), dbSNP rs7348121, ClinGen allele CA293563.

ClinVar aggregate classification (germline): Benign/Likely benign. Review status: criteria provided, multiple submitters, no conflicts (2 of 4 stars). 12 submissions from 12 submitters: Benign (11); Likely benign (1). Last evaluated 2026-03-27.

Conditions:
Familial thoracic aortic aneurysm and aortic dissection (TAAD). Also called: Thoracic aortic aneurysms and dissections. Identifiers: Orphanet 91387, MedGen C4707243, MONDO:0019625.
Arterial tortuosity syndrome (ATORS). Identifiers: Orphanet 3342, MedGen C1859726, MONDO:0008818, OMIM 208050.

Allele frequency attached by ClinVar (database versions not stated): gnomAD exomes 0.00252; 1000 Genomes Project 0.02077; 1000 Genomes Project 30x 0.02092; gnomAD 0.02113; TOPMed 0.02113; ESP Exome Variant Server 0.02184.

Submissions (12):

Molecular Diagnostic Laboratory for Inherited Cardiovascular Disease, Montreal Heart Institute
Classification: Benign. Last evaluated: 2026-03-27. Review status: criteria provided, single submitter. Criteria: ACMG Guidelines, 2015. Collection method: clinical testing. Allele origin: germline. Affected: no.
Comment: BA1;BP4

Labcorp Genetics (formerly Invitae), Labcorp
Classification: Benign for Arterial tortuosity syndrome. Last evaluated: 2026-02-04. Review status: criteria provided, single submitter. Criteria: Invitae Variant Classification Sherloc (09022015). Collection method: clinical testing. Allele origin: germline.

ARUP Laboratories, Molecular Genetics and Genomics, ARUP Laboratories
Classification: Benign for Arterial tortuosity syndrome. Last evaluated: 2025-06-25. Review status: criteria provided, single submitter. Criteria: ARUP Molecular Germline Variant Investigation Process 2024. Collection method: clinical testing. Allele origin: germline.

Blueprint Genetics
Classification: Likely benign. Last evaluated: 2024-11-13. Review status: criteria provided, single submitter. Criteria: ACMG Guidelines, 2015. Collection method: clinical testing. Allele origin: germline.

Women's Health and Genetics/Laboratory Corporation of America, LabCorp
Classification: Benign. Last evaluated: 2020-02-17. Review status: criteria provided, single submitter. Criteria: LabCorp Variant Classification Summary - May 2015. Collection method: clinical testing. Allele origin: germline.
Comment: Variant summary: SLC2A10 c.1609A>G (p.Ile537Val) results in a conservative amino acid change in the encoded protein sequence. Five of five in-silico tools predict a benign effect of the variant on protein function. The variant allele was found at a frequency of 0.0061 in 251458 control chromosomes, predominantly at a frequency of 0.067 within the African or African-American subpopulation in the gnomAD database, including 46 homozygotes. The observed variant frequency within African or African-American control individuals in the gnomAD database is approximately 42-fold of the estimated maximal expected allele frequency for a pathogenic variant in SLC2A10 causing Aortopathy phenotype (0.0016), strongly suggesting that the variant is a benign polymorphism found primarily in populations of African or African-American origin. To our knowledge, no occurrence of c.1609A>G in individuals affected with Aortopathy and no experimental evidence demonstrating its impact on protein function have been reported. Five ClinVar submitters (evaluation after 2014) cite the variant as benign/likely benign. Based on the evidence outlined above, the variant was classified as benign.

Illumina Laboratory Services, Illumina
Classification: Benign for Arterial tortuosity syndrome. Last evaluated: 2018-01-12. Review status: criteria provided, single submitter. Criteria: ICSL Variant Classification Criteria 13 December 2019. Collection method: clinical testing. Allele origin: germline.
Comment: This variant was observed in the ICSL laboratory as part of a predisposition screen in an ostensibly healthy population. It had not been previously curated by ICSL or reported in the Human Gene Mutation Database (HGMD: prior to June 1st, 2018), and was therefore a candidate for classification through an automated scoring system. Utilizing variant allele frequency, disease prevalence and penetrance estimates, and inheritance mode, an automated score was calculated to assess if this variant is too frequent to cause the disease. Based on the score and internal cut-off values, a variant classified as benign is not then subjected to further curation. The score for this variant resulted in a classification of benign for this disease.

CHEO Genetics Diagnostic Laboratory, Children's Hospital of Eastern Ontario
Classification: Benign for Familial thoracic aortic aneurysm and aortic dissection. Last evaluated: 2016-03-18. Review status: criteria provided, single submitter. Criteria: ACMG Guidelines, 2015. Collection method: clinical testing. Allele origin: germline. Study: Canadian Open Genetics Repository.

Ambry Genetics
Classification: Benign for Familial thoracic aortic aneurysm and aortic dissection. Last evaluated: 2015-02-03. Review status: criteria provided, single submitter. Criteria: Ambry Variant Classification Scheme 2023. Collection method: clinical testing. Allele origin: germline.

Mayo Clinic Laboratories, Mayo Clinic
Classification: Benign. Last evaluated: 2014-04-04. Review status: criteria provided, single submitter. Criteria: ACMG Guidelines, 2015. Collection method: clinical testing. Allele origin: germline. Observed: 22 variant alleles.

GeneDx
Classification: Benign. Last evaluated: 2013-02-01. Review status: criteria provided, single submitter. Criteria: GeneDx Variant Classification (06012015). Collection method: clinical testing. Allele origin: germline. Affected: yes.
Comment: This variant is considered likely benign or benign based on one or more of the following criteria: it is a conservative change, it occurs at a poorly conserved position in the protein, it is predicted to be benign by multiple in silico algorithms, and/or has population frequency not consistent with disease.

Breakthrough Genomics
Classification: Benign. Review status: criteria provided, single submitter. Criteria: ACMG Guidelines, 2015. Collection method: not provided. Allele origin: germline. Inheritance: Autosomal recessive inheritance. Affected: yes.

PreventionGenetics, part of Exact Sciences
Classification: Benign. Review status: criteria provided, single submitter. Criteria: ACMG Guidelines, 2015. Collection method: clinical testing. Allele origin: germline.